The following is an entry in ClinVar:

NM_000517.6(HBA2):c.409C>A (p.Leu137Met)

Genes: HBA2 (hemoglobin subunit alpha 2; plus strand), LOC106804612 (hemoglobin subunit alpha 2 recombination region; plus strand). Cytogenetic location: 16p13.3.
Variant type: single nucleotide variant.
Coding change: c.409C>A on transcript NM_000517.6 (MANE Select); coding-DNA position 409, C replaced by A.
Protein change: p.Leu137Met; replaces leucine 137 with methionine.
Molecular consequence: missense variant.
Genome position (GRCh38, 1-based): chr16:173,580, C>A. VCF-style: chr16-173580-C-A. GRCh37 (hg19) VCF-style: chr16-223579-C-A.
Other names: short protein forms L137M.
Identifiers: ClinVar variation 439118 (VCV000439118.10), dbSNP rs41364652, ClinGen allele CA7770185.

ClinVar aggregate classification (germline): Conflicting classifications of pathogenicity. Review status: criteria provided, conflicting classifications (1 of 4 stars). 3 submissions from 3 submitters: Uncertain significance (2); Likely benign (1). Last evaluated 2025-01-29.

Allele frequency attached by ClinVar (database versions not stated): ExAC 0.00002; gnomAD exomes 0.00001 and 0.00002; gnomAD 0.00012 and 0.00011; TOPMed 0.00005.
gnomAD v4.1: 24 of 1,608,190 alleles (0.0015%); highest among the groups gnomAD compares: African/African-American, 0.032%; 3 homozygotes.

Submissions (3):

ARUP Laboratories, Molecular Genetics and Genomics, ARUP Laboratories
Classification: Likely benign. Last evaluated: 2025-01-29. Review status: criteria provided, single submitter. Criteria: ARUP Molecular Germline Variant Investigation Process 2024. Collection method: clinical testing. Allele origin: germline.
Comment: The Hb Chicago variant (HBA2: c.409C>A; p.Leu137Met, also known as Leu136Met when numbered from the mature protein, rs41364652, HbVar ID: 206) is a stable hemoglobin reported in the literature in multiple healthy individuals (see HbVar and references therein). This variant is reported in ClinVar (Variation ID: 439118) and is found in the African population with an allele frequency of 0.03% (8/23368 alleles, including 2 homozygotes) in the Genome Aggregation Database. The leucine at codon 136 is moderately conserved, and computational analyses predict that this variant is deleterious (REVEL: 0.771). Based on available information, this variant is considered to be likely benign. References: Link to HbVar database

Women's Health and Genetics/Laboratory Corporation of America, LabCorp
Classification: Uncertain significance. Last evaluated: 2023-05-31. Review status: criteria provided, single submitter. Criteria: LabCorp Variant Classification Summary - May 2015. Collection method: clinical testing. Allele origin: germline.
Comment: Variant summary: HBA2 c.409C>A (p.Leu137Met), also known as Hb Chicago, results in a conservative amino acid change in the encoded protein sequence. Four of five in-silico tools predict a damaging effect of the variant on protein function. The variant allele was found at a frequency of 4.9e-05 in 390836 control chromosomes, predominantly at a frequency of 0.00036 within the African or African-American subpopulation in the gnomAD database, including 3 homozygotes. This frequency is somewhat lower than estimated maximum expected for a pathogenic variant in HBA2 causing Alpha Thalassemia (0.0056), allowing no clear conclusions about variant significance. The variant, c.409C>A, has been reported together with the -a3.7 deletion in at least two individuals, however both of these individuals also carried HBB variants, i.e. one of them had HbSS (Molchanova_1994), while the other had HbSC (Hughes_2009), and authors of the later study noted a relatively milder phenotype than expected (Hughes_2009). In addition, the variant was also reported in heterozygous state in individuals who had HbSS (Gu_1993, Ou_1996), though no detailed hematological characterization was presented in these studies. Finally, the variant was also reported in clinically silent carriers (e.g., Bowman_1986). These reports therefore do not provide unequivocal conclusions about association of the variant with Alpha Thalassemia. Publications reported experimental evidence evaluating an impact on protein function, demonstrating that the Leu137Met variant produces a stable hemoglobin variant (e.g., Bowman_1986, Molchanova_1994). The following publications have been ascertained in the context of this evaluation (PMID: 7803274, 34272389, 3781866, 8226092, 19373463, 24200101, 8653909). Two ClinVar submitters (evaluation after 2014) have cited the variant with conflicting assessments: one submitter classified the variant as likely benign, and one submitter classified the variant as uncertain significance. Based on the evidence outlined above, the variant was classified as VUS-possibly benign.

Quest Diagnostics Nichols Institute San Juan Capistrano
Classification: Uncertain significance. Last evaluated: 2020-11-03. Review status: criteria provided, single submitter. Criteria: Quest Diagnostics criteria. Collection method: clinical testing. Allele origin: unknown.

Literature cited by the submitters: PubMed 7803274 (cited by Women's Health and Genetics/Laboratory Corporation of America, LabCorp and Quest Diagnostics Nichols Institute San Juan Capistrano); PubMed 8226092 (cited by Women's Health and Genetics/Laboratory Corporation of America, LabCorp and Quest Diagnostics Nichols Institute San Juan Capistrano); PubMed 3781866 (cited by Women's Health and Genetics/Laboratory Corporation of America, LabCorp and Quest Diagnostics Nichols Institute San Juan Capistrano); PubMed 24200101 (cited by Women's Health and Genetics/Laboratory Corporation of America, LabCorp and Quest Diagnostics Nichols Institute San Juan Capistrano); PubMed 34272389 (cited by Women's Health and Genetics/Laboratory Corporation of America, LabCorp); PubMed 19373463 (cited by Women's Health and Genetics/Laboratory Corporation of America, LabCorp); PubMed 8653909 (cited by Women's Health and Genetics/Laboratory Corporation of America, LabCorp); PubMed 25130136 (cited by Quest Diagnostics Nichols Institute San Juan Capistrano); PubMed 31553106 (cited by Quest Diagnostics Nichols Institute San Juan Capistrano); PubMed 32420790 (cited by Quest Diagnostics Nichols Institute San Juan Capistrano).